The following is an entry in ClinVar:

NC_000006.12:g.(?_135457583)_(135465286_?)del

Genes: AHI1 (Abelson helper integration site 1; minus strand), LOC129389653 (MPRA-validated peak6140 silencer; plus strand), LOC129997223 (ATAC-STARR-seq lymphoblastoid active region 25106; plus strand). Cytogenetic location: 6q23.3.
Variant type: Deletion.
Identifiers: ClinVar variation 461739 (VCV000461739.11).

ClinVar aggregate classification (germline): Pathogenic (1 of 4 stars; one submission).

Conditions:
Joubert syndrome. Also called: CEREBELLOPARENCHYMAL DISORDER IV; JOUBERT-BOLTSHAUSER SYNDROME; Familial aplasia of the vermis. Identifiers: Orphanet 475, MedGen C5979921, MONDO:0018772.

Submission:

Labcorp Genetics (formerly Invitae), Labcorp
Classification: Pathogenic for Joubert syndrome. Last evaluated: 2023-10-03. Review status: criteria provided, single submitter. Criteria: Invitae Variant Classification Sherloc (09022015). Collection method: clinical testing. Allele origin: germline.
Comment: This variant results in the deletion of exon 7 and part of exon 8 (c.749+528_1062del) of the AHI1 gene. It is expected to disrupt RNA splicing. Variants that disrupt the donor or acceptor splice site typically lead to a loss of protein function (PMID: 16199547), and loss-of-function variants in AHI1 are known to be pathogenic (PMID: 15322546, 16453322, 28442542, 29186038). This variant has been observed in individual(s) with Joubert syndrome (Invitae). This variant disrupts the p.Arg351 amino acid residue in AHI1. Other variant(s) that disrupt this residue have been determined to be pathogenic (PMID: 23532844, 26092869). This suggests that this residue is clinically significant, and that variants that disrupt this residue are likely to be disease-causing. For these reasons, this variant has been classified as Pathogenic.

Literature cited by the submitters: PubMed 16199547; PubMed 15322546; PubMed 16453322; PubMed 28442542; PubMed 29186038; PubMed 23532844; PubMed 26092869.